The following is an entry in ClinVar:

NM_016203.4(PRKAG2):c.123C>T (p.Ser41=)

Gene: PRKAG2 (protein kinase AMP-activated non-catalytic subunit gamma 2; minus strand). Cytogenetic location: 7q36.1.
Variant type: single nucleotide variant.
Coding change: c.123C>T on transcript NM_016203.4 (MANE Select); coding-DNA position 123, C replaced by T.
Protein change: p.Ser41=; no amino-acid change (serine 41 retained).
Molecular consequence: synonymous variant. On other transcripts: 5 prime UTR variant (1).
Genome position (GRCh38, 1-based): chr7:151,786,533, G>A on the plus strand (C>T on the coding strand, the complement: PRKAG2 is on the minus strand). VCF-style: chr7-151786533-G-A. GRCh37 (hg19) VCF-style: chr7-151483619-G-A.
Other names: c.-10C>T (NM_001040633.2).
Identifiers: ClinVar variation 45692 (VCV000045692.76), dbSNP rs397517263, ClinGen allele CA013447.
Genomic context (GRCh38, chr7:151,786,533, plus strand): 5'-TCGAGAGGAATGCTTTCCGGAACCCTCCAGGTCTCCGTCCAGGAGCGGCATGGCGAAGGA[G>A]CTCAGGTCCTAGGGTGGACAGAGAGCACGTGGTCAGTGACAGTGGCCCTCGGGCCCAGGG-3'
Protein context (NP_057287.2, residues 31-51): RSLRVHIPDL[Ser41=]SFAMPLLDGD

ClinVar aggregate classification (germline): Conflicting classifications of pathogenicity. Review status: criteria provided, conflicting classifications (1 of 4 stars). 17 submissions from 16 submitters: Uncertain significance (2); Benign (4); Likely benign (6). 5 of the submissions do not count toward it. Last evaluated 2026-08-01.

Conditions:
Cardiovascular phenotype. Identifiers: MedGen CN230736.
Cardiomyopathy (CMYO). Also called: Cardiomyopathies. Identifiers: Orphanet 167848, MedGen C0878544, MONDO:0004994, HP:0001638. Inheritance: Various modes of inheritance.
Lethal congenital glycogen storage disease of heart. Also called: GLYCOGEN STORAGE DISEASE OF HEART; PHOSPHORYLASE KINASE DEFICIENCY OF HEART. Identifiers: Orphanet 439854, MedGen C1849813, MONDO:0009867, OMIM 261740.
Wolff-Parkinson-White pattern. Also called: WPW SYNDROME; Auriculoventricular accessory pathway syndrome; False bundle branch block syndrome; Anomalous ventricular excitation syndrome. Identifiers: MedGen C0043202, MONDO:0008685, OMIM 194200, HP:0001716.
Hypertrophic cardiomyopathy 6. Identifiers: MedGen C1833236, MONDO:0010946, OMIM 600858.

Allele frequency attached by ClinVar (database versions not stated): ExAC 0.00020; gnomAD exomes 0.00013 and 0.00016; gnomAD 0.00019; TOPMed 0.00019.
gnomAD v4.1: 250 of 1,612,584 alleles (0.016%); highest among the groups gnomAD compares: Middle Eastern, 0.53%; 1 homozygote.

Submissions (17):

CeGaT Center for Human Genetics Tuebingen
Classification: Likely benign. Last evaluated: 2026-08-01. Review status: criteria provided, single submitter. Criteria: CeGaT Center For Human Genetics Tuebingen Variant Classification Criteria Version 2. Collection method: clinical testing. Allele origin: germline. Affected: yes. Observed: 29 variant alleles.
Comment: PRKAG2: BP4, BP7

Molecular Diagnostic Laboratory for Inherited Cardiovascular Disease, Montreal Heart Institute
Classification: Benign. Last evaluated: 2026-03-27. Review status: criteria provided, single submitter. Criteria: ACMG Guidelines, 2015. Collection method: clinical testing. Allele origin: germline. Affected: no.

Labcorp Genetics (formerly Invitae), Labcorp
Classification: Likely benign for Lethal congenital glycogen storage disease of heart. Last evaluated: 2026-02-03. Review status: criteria provided, single submitter. Criteria: Invitae Variant Classification Sherloc (09022015). Collection method: clinical testing. Allele origin: germline.

Women's Health and Genetics/Laboratory Corporation of America, LabCorp
Classification: Benign. Last evaluated: 2025-06-23. Review status: criteria provided, single submitter. Criteria: LabCorp Variant Classification Summary - May 2015. Collection method: clinical testing. Allele origin: germline.

Blueprint Genetics
Classification: Likely benign. Last evaluated: 2024-08-23. Review status: criteria provided, single submitter. Criteria: ACMG Guidelines, 2015. Collection method: clinical testing. Allele origin: germline.

Color Diagnostics, LLC DBA Color Health
Classification: Likely benign for Cardiomyopathy. Last evaluated: 2018-04-16. Review status: criteria provided, single submitter. Criteria: ACMG Guidelines, 2015. Collection method: clinical testing. Allele origin: germline.

Illumina Laboratory Services, Illumina
Classification: Uncertain significance for Hypertrophic cardiomyopathy 6. Last evaluated: 2018-01-13. Review status: criteria provided, single submitter. Criteria: ICSL Variant Classification Criteria 13 December 2019. Collection method: clinical testing. Allele origin: germline.

Illumina Laboratory Services, Illumina
Classification: Uncertain significance for Wolff-Parkinson-White pattern. Last evaluated: 2018-01-13. Review status: criteria provided, single submitter. Criteria: ICSL Variant Classification Criteria 13 December 2019. Collection method: clinical testing. Allele origin: germline.

CHEO Genetics Diagnostic Laboratory, Children's Hospital of Eastern Ontario
Classification: Benign for Cardiomyopathy. Last evaluated: 2017-11-03. Review status: criteria provided, single submitter. Criteria: ACMG Guidelines, 2015. Collection method: clinical testing. Allele origin: germline.

Ambry Genetics
Classification: Likely benign for Cardiovascular phenotype. Last evaluated: 2016-02-19. Review status: criteria provided, single submitter. Criteria: Ambry Variant Classification Scheme 2023. Collection method: clinical testing. Allele origin: germline.

Laboratory for Molecular Medicine, Mass General Brigham Personalized Medicine
Classification: Likely benign. Last evaluated: 2015-06-09. Review status: criteria provided, single submitter. Criteria: LMM Criteria. Collection method: clinical testing. Allele origin: germline. Observed: 9 variant alleles.
Comment: p.Ser41Ser in exon 2 of PRKAG2: This variant is not expected to have clinical si gnificance because it does not alter an amino acid residue and it is not located within the splice consensus sequence. It has been identified in 11/54500 Europe an chromosomes and 5/12854 South Asian chromosomes by the Exome Aggregation Cons ortium (ExAC; dbSNP rs397517263).

GeneDx
Classification: Benign. Last evaluated: 2015-03-03. Review status: criteria provided, single submitter. Criteria: GeneDx Variant Classification Process June 2021. Collection method: clinical testing. Allele origin: germline. Affected: yes.

Clinical Genetics DNA and cytogenetics Diagnostics Lab, Erasmus MC, Erasmus Medical Center
Classification: Likely benign. Review status: no assertion criteria provided. Collection method: clinical testing. Allele origin: germline. Affected: yes. Study: VKGL Data-share Consensus. Not counted in ClinVar's aggregate classification.

Clinical Genetics, Academic Medical Center
Classification: Benign. Review status: no assertion criteria provided. Collection method: clinical testing. Allele origin: germline. Affected: yes. Study: VKGL Data-share Consensus. Not counted in ClinVar's aggregate classification.

Diagnostic Laboratory, Department of Genetics, University Medical Center Groningen
Classification: Likely benign. Review status: no assertion criteria provided. Collection method: clinical testing. Allele origin: germline. Affected: yes. Study: VKGL Data-share Consensus. Not counted in ClinVar's aggregate classification.

Genome Diagnostics Laboratory, University Medical Center Utrecht
Classification: Likely benign. Review status: no assertion criteria provided. Collection method: clinical testing. Allele origin: germline. Affected: yes. Study: VKGL Data-share Consensus. Not counted in ClinVar's aggregate classification.

Joint Genome Diagnostic Labs from Nijmegen and Maastricht, Radboudumc and MUMC+
Classification: Likely benign. Review status: no assertion criteria provided. Collection method: clinical testing. Allele origin: germline. Affected: yes. Study: VKGL Data-share Consensus. Not counted in ClinVar's aggregate classification.